The following is an entry in ClinVar:

NM_000130.5(F5):c.4273G>A (p.Gly1425Ser)

Gene: F5 (coagulation factor V; minus strand). Cytogenetic location: 1q24.2.
Variant type: single nucleotide variant.
Coding change: c.4273G>A on transcript NM_000130.5 (MANE Select); coding-DNA position 4273, G replaced by A.
Protein change: p.Gly1425Ser; replaces glycine 1425 with serine.
Molecular consequence: missense variant.
Genome position (GRCh38, 1-based): chr1:169,540,817, C>T on the plus strand (G>A on the coding strand, the complement: F5 is on the minus strand). VCF-style: chr1-169540817-C-T. GRCh37 (hg19) VCF-style: chr1-169510055-C-T.
Other names: short protein forms G1425S.
Identifiers: ClinVar variation 3709011 (VCV003709011.2).

ClinVar aggregate classification (germline): Uncertain significance (1 of 4 stars; one submission).

Conditions:
Congenital factor V deficiency. Also called: Hereditary factor V deficiency disease; LABILE FACTOR DEFICIENCY; OWREN PARAHEMOPHILIA; PARAHEMOPHILIA. Identifiers: Orphanet 326, MedGen C0015499, MONDO:0009210, OMIM 227400.

gnomAD v4.1: 1 of 1,612,086 alleles (0.000062%); highest among the groups gnomAD compares: Non-Finnish European, 0.000085%; no homozygotes.

Submission:

Labcorp Genetics (formerly Invitae), Labcorp
Classification: Uncertain significance for Congenital factor V deficiency. Last evaluated: 2024-09-09. Review status: criteria provided, single submitter. Criteria: Invitae Variant Classification Sherloc (09022015). Collection method: clinical testing. Allele origin: germline.
Comment: This sequence change replaces glycine, which is neutral and non-polar, with serine, which is neutral and polar, at codon 1425 of the F5 protein (p.Gly1425Ser). This variant is not present in population databases (gnomAD no frequency). This variant has not been reported in the literature in individuals affected with F5-related conditions. Invitae Evidence Modeling of protein sequence and biophysical properties (such as structural, functional, and spatial information, amino acid conservation, physicochemical variation, residue mobility, and thermodynamic stability) indicates that this missense variant is not expected to disrupt F5 protein function with a negative predictive value of 80%. In summary, the available evidence is currently insufficient to determine the role of this variant in disease. Therefore, it has been classified as a Variant of Uncertain Significance.